The following is an entry in ClinVar:

NM_002529.4(NTRK1):c.185T>C (p.Leu62Pro)

Gene: NTRK1 (neurotrophic receptor tyrosine kinase 1; plus strand). Cytogenetic location: 1q23.1.
Variant type: single nucleotide variant.
Coding change: c.185T>C on transcript NM_002529.4 (MANE Select); coding-DNA position 185, T replaced by C.
Protein change: p.Leu62Pro; replaces leucine 62 with proline.
Molecular consequence: missense variant. On other transcripts: intron variant (1).
Genome position (GRCh38, 1-based): chr1:156,861,119, T>C. VCF-style: chr1-156861119-T-C. GRCh37 (hg19) VCF-style: chr1-156830911-T-C.
Other names: c.185T>C, p.Leu62Pro (NM_001012331.2); c.123-3235T>C (NM_001007792.1); short protein forms L62P.
Identifiers: ClinVar variation 573468 (VCV000573468.41), dbSNP rs766307207, ClinGen allele CA1168832.
Genomic context (GRCh38, chr1:156,861,119, plus strand): 5'-CCCACGGCTCCTCGGGACTGCGATGCACCCGGGATGGGGCCCTGGATAGCCTCCACCACC[T>C]GCCCGGCGCAGAGAACCTGACTGAGCTGTGAGTGTCCGGCGGGCGGTGGGGGGGCGCGGG-3'
Protein context (NP_002520.2, residues 52-72): RDGALDSLHH[Leu62Pro]PGAENLTELY

ClinVar aggregate classification (germline): Uncertain significance. Review status: criteria provided, multiple submitters, no conflicts (2 of 4 stars). 7 submissions from 7 submitters: Uncertain significance (6). 1 of the submissions does not count toward it. Last evaluated 2025-01-06.

Conditions:
Hereditary insensitivity to pain with anhidrosis (CIPA). Also called: NTRK1 Congenital Insensitivity to Pain with Anhidrosis; HSAN Type IV; INSENSITIVITY TO PAIN, CONGENITAL, WITH ANHIDROSIS; NEUROPATHY, CONGENITAL SENSORY, WITH ANHIDROSIS; FAMILIAL DYSAUTONOMIA, TYPE II; hereditary sensory and autonomic neuropathy type 4. Identifiers: Orphanet 642, MedGen C0020074, MONDO:0009746, OMIM 256800.
Inborn genetic diseases. Identifiers: MedGen C0950123, MeSH D030342.

Allele frequency attached by ClinVar (database versions not stated): gnomAD exomes 0.00004 and 0.00006; gnomAD 0.00009 and 0.00010; TOPMed 0.00019; ExAC 0.00026; 1000 Genomes Project 30x 0.00047.
gnomAD v4.1: 81 of 1,582,254 alleles (0.0051%); highest among the groups gnomAD compares: Middle Eastern, 0.069%; 1 homozygote.

Submissions (7):

Labcorp Genetics (formerly Invitae), Labcorp
Classification: Uncertain significance for Hereditary insensitivity to pain with anhidrosis. Last evaluated: 2025-01-06. Review status: criteria provided, single submitter. Criteria: Invitae Variant Classification Sherloc (09022015). Collection method: clinical testing. Allele origin: germline.
Comment: This sequence change replaces leucine, which is neutral and non-polar, with proline, which is neutral and non-polar, at codon 62 of the NTRK1 protein (p.Leu62Pro). The frequency data for this variant in the population databases is considered unreliable, as metrics indicate poor data quality at this position in the gnomAD database. This variant has not been reported in the literature in individuals affected with NTRK1-related conditions. ClinVar contains an entry for this variant (Variation ID: 573468). Invitae Evidence Modeling of protein sequence and biophysical properties (such as structural, functional, and spatial information, amino acid conservation, physicochemical variation, residue mobility, and thermodynamic stability) indicates that this missense variant is not expected to disrupt NTRK1 protein function with a negative predictive value of 95%. In summary, the available evidence is currently insufficient to determine the role of this variant in disease. Therefore, it has been classified as a Variant of Uncertain Significance.

CeGaT Center for Human Genetics Tuebingen
Classification: Uncertain significance. Last evaluated: 2024-04-01. Review status: criteria provided, single submitter. Criteria: CeGaT Center For Human Genetics Tuebingen Variant Classification Criteria Version 2. Collection method: clinical testing. Allele origin: germline. Affected: yes. Observed: 2 variant alleles.

Ambry Genetics
Classification: Uncertain significance for Inborn genetic diseases. Last evaluated: 2023-12-22. Review status: criteria provided, single submitter. Criteria: Ambry Variant Classification Scheme 2023. Collection method: clinical testing. Allele origin: germline.

Fulgent Genetics
Classification: Uncertain significance for Hereditary insensitivity to pain with anhidrosis. Last evaluated: 2021-08-17. Review status: criteria provided, single submitter. Criteria: ACMG Guidelines, 2015. Collection method: clinical testing. Allele origin: unknown.

Genome-Nilou Lab
Classification: Uncertain significance for Hereditary insensitivity to pain with anhidrosis. Last evaluated: 2021-07-14. Review status: criteria provided, single submitter. Criteria: ACMG Guidelines, 2015. Collection method: clinical testing. Allele origin: germline. Affected: no.

GeneDx
Classification: Uncertain significance. Last evaluated: 2018-12-20. Review status: criteria provided, single submitter. Criteria: GeneDx Variant Classification Process June 2021. Collection method: clinical testing. Allele origin: germline. Affected: yes.
Comment: In silico analysis, which includes protein predictors and evolutionary conservation, supports that this variant does not alter protein structure/function; Has not been previously published as pathogenic or benign to our knowledge

Natera, Inc.
Classification: Uncertain significance for Hereditary insensitivity to pain with anhidrosis. Last evaluated: 2019-11-11. Review status: no assertion criteria provided. Collection method: clinical testing. Allele origin: germline. Not counted in ClinVar's aggregate classification.